The following is an entry in ClinVar:

ClinVar aggregate classification (germline): Pathogenic (1 of 4 stars; one submission).

Conditions:
Cataract 38. Also called: Cataract, autosomal recessive congenital 5; Cataract 38, autosomal recessive. Identifiers: Orphanet 91492, MedGen C3553494, MONDO:0013859, OMIM 614691.
Sengers syndrome. Also called: MITOCHONDRIAL DNA DEPLETION SYNDROME 10 (CARDIOMYOPATHIC TYPE); Cardiomyopathy and cataract. Identifiers: Orphanet 1369, MedGen C1859317, MONDO:0008922, OMIM 212350.

Submission:

Labcorp Genetics (formerly Invitae), Labcorp
Classification: Pathogenic for Sengers syndrome; Cataract 38. Last evaluated: 2023-04-06. Review status: criteria provided, single submitter. Criteria: Invitae Variant Classification Sherloc (09022015). Collection method: clinical testing. Allele origin: unknown.
Comment: For these reasons, this variant has been classified as Pathogenic. This variant has not been reported in the literature in individuals affected with AGK-related conditions. A gross deletion of the genomic region encompassing the full coding sequence of the AGK gene has been identified. Loss-of-function variants in AGK are known to be pathogenic (PMID: 22284826). The boundaries of this event are unknown as they extend beyond the assayed region for this gene and therefore may encompass additional genes.

Literature cited by the submitters: PubMed 22284826.

NC_000007.13:g.(?_140434397)_(141759786_?)del

Genes: AGK (acylglycerol kinase; plus strand), BRAF (B-Raf proto-oncogene, serine/threonine kinase; minus strand), CLEC5A (C-type lectin domain containing 5A; minus strand), DENND11 (DENN domain containing 11; minus strand), MGAM (maltase-glucoamylase; plus strand) and 10 more. Cytogenetic location: 7q34.
Variant type: Deletion.
Identifiers: ClinVar variation 3245750 (VCV003245750.1).